The following is an entry in ClinVar:

ClinVar aggregate classification (germline): Likely pathogenic (1 of 4 stars; one submission).

Conditions:
Fanconi anemia (FA). Also called: Fanconi's anemia. Identifiers: Orphanet 84, MedGen C0015625, MeSH D005199, MONDO:0019391.

Submission:

Laboratory for Molecular Medicine, Mass General Brigham Personalized Medicine
Classification: Likely pathogenic for Fanconi anemia. Last evaluated: 2023-02-02. Review status: criteria provided, single submitter. Criteria: ACMG Guidelines, 2015. Collection method: clinical testing. Allele origin: germline.
Comment: The p.Leu591ValfsX13 in FANCG has not been previously reported in individuals with Fanconi anemia and is absent from large population databases. The variant results in a frameshift in the last exon of FANCG starting at 591 and introduces a termination codon 13 amino acids downstream. While this is not anticipated to result in nonsense mediated decay, it is expected to disrupt the last 31 amino acids of the FANCG protein. Two other frameshift variants affecting the same position have been reported in individuals with Fanconi anemia (p.Leu591ArgfsX3, p.Leu591Profs*14), and other loss of function variants downstream of this residue have been reported in affected individuals. Loss of function of the FANCG gene is an established disease mechanism in autosomal recessive Fanconi anemia. In summary, although additional studies are required to fully establish its clinical significance, this variant meets criteria to be classified as likely pathogenic for autosomal recessive Fanconi anemia. ACMG/AMP criteria applied: PVS1_Strong, PM1, PM2_Supporting.

NM_004629.2(FANCG):c.1771_1772del (p.Leu591fs)

Gene: FANCG (FA complementation group G; minus strand). Cytogenetic location: 9p13.3.
Variant type: Deletion.
Coding change: c.1771_1772del on transcript NM_004629.2 (MANE Select); coding-DNA positions 1771 to 1772, 2 bases deleted (CT; older notation c.1771_1772delCT).
Protein change: p.Leu591fs; shifts the reading frame from leucine 591.
Molecular consequence: frameshift variant.
Genome position (GRCh38, 1-based): chr9:35,074,205-35,074,206, AG deleted on the plus strand (CT on the coding strand, the reverse complement: FANCG is on the minus strand). VCF-style (leftmost placement, unchanged base first): chr9-35074204-CAG-C. GRCh37 (hg19) VCF-style: chr9-35074201-CAG-C.
Other names: short protein forms L591fs.
Identifiers: ClinVar variation 3075917 (VCV003075917.1), dbSNP rs2490392724, ClinGen allele CA2825001627.